The following is an entry in ClinVar:

ClinVar aggregate classification (germline): Uncertain significance (1 of 4 stars; one submission).

Conditions:
Supravalvar aortic stenosis (SVAS). Also called: Supravalvar aortic stenosis, Eisenberg type. Identifiers: Orphanet 3193, MedGen C0003499, MONDO:0008504, OMIM 185500, HP:0004381.

Submission:

Labcorp Genetics (formerly Invitae), Labcorp
Classification: Uncertain significance for Supravalvar aortic stenosis. Last evaluated: 2022-12-02. Review status: criteria provided, single submitter. Criteria: Invitae Variant Classification Sherloc (09022015). Collection method: clinical testing. Allele origin: germline.
Comment: In summary, the available evidence is currently insufficient to determine the role of this variant in disease. Therefore, it has been classified as a Variant of Uncertain Significance. Experimental studies and prediction algorithms are not available or were not evaluated, and the functional significance of this variant is currently unknown. This variant has not been reported in the literature in individuals affected with ELN-related conditions. This variant is not present in population databases (gnomAD no frequency). This variant, c.809_817del, results in the deletion of 3 amino acid(s) of the ELN protein (p.Ala270_Gly272del), but otherwise preserves the integrity of the reading frame.

NM_000501.4(ELN):c.809_817del (p.Ala270_Gly272del)

Gene: ELN (elastin; plus strand). Cytogenetic location: 7q11.23.
Variant type: Deletion.
Coding change: c.809_817del on transcript NM_000501.4 (MANE Select); coding-DNA positions 809 to 817, 9 bases deleted (CAGCCGGAG; older notation c.809_817delCAGCCGGAG).
Protein change: p.Ala270_Gly272del.
Molecular consequence: inframe deletion.
Genome position (GRCh38, 1-based): chr7:74,051,759-74,051,767, CAGCCGGAG deleted; deleting any 9 consecutive bases within chr7:74,051,755-74,051,767 gives the same sequence; the c. name uses the placement nearest the transcript's 3' end. VCF-style (leftmost placement, unchanged base first): chr7-74051754-TGGAGCAGCC-T. GRCh37 (hg19) VCF-style: chr7-73466084-TGGAGCAGCC-T.
Other names: c.779_787del, p.Ala260_Gly262del (NM_001081752.3, NM_001278917.2); c.824_832del, p.Ala275_Gly277del (NM_001081753.3, NM_001081754.3); c.809_817del, p.Ala270_Gly272del (NM_001081755.3, NM_001278912.2, NM_001278915.2 and 1 more transcripts); c.701_709del, p.Ala234_Gly236del (NM_001278913.2); c.794_802del, p.Ala265_Gly267del (NM_001278914.2); c.767_775del, p.Ala256_Gly258del (NM_001278916.2); c.677_685del, p.Ala226_Gly228del (NM_001278918.2).
Identifiers: ClinVar variation 2990191 (VCV002990191.3), dbSNP rs1794090254, ClinGen allele CA1717343492.